The following is an entry in ClinVar:

NM_006767.4(LZTR1):c.2220-11C>A

Gene: LZTR1 (leucine zipper like post translational regulator 1; plus strand). Cytogenetic location: 22q11.21.
Variant type: single nucleotide variant.
Coding change: c.2220-11C>A on transcript NM_006767.4 (MANE Select); 11 bases into the intron before coding-DNA position 2220, C replaced by A.
Molecular consequence: intron variant.
Genome position (GRCh38, 1-based): chr22:20,996,685, C>A. VCF-style: chr22-20996685-C-A. GRCh37 (hg19) VCF-style: chr22-21350974-C-A.
Identifiers: ClinVar variation 2120046 (VCV002120046.5), dbSNP rs201574816, ClinGen allele CA2580099292.
Genomic context (GRCh38, chr22:20,996,685, plus strand): 5'-CTTCCCTGTCCTTCCCTGGGAGGGTGCGGGCGGACCAGCTTCCTTTAGTCAGCTCCTTAA[C>A]CAGGCCCCAGCTACTTGTTTGCGGCCCCCTACTACTACGGCTTCTACAACAACCGGCTGC-3'

ClinVar aggregate classification (germline): Uncertain significance. Review status: criteria provided, multiple submitters, no conflicts (2 of 4 stars). 2 submissions from 2 submitters: Uncertain significance (2). Last evaluated 2025-04-24.

Submissions (2):

Labcorp Genetics (formerly Invitae), Labcorp
Classification: Uncertain significance. Last evaluated: 2025-04-24. Review status: criteria provided, single submitter. Criteria: Invitae Variant Classification Sherloc (09022015). Collection method: clinical testing. Allele origin: germline.
Comment: This sequence change falls in intron 18 of the LZTR1 gene. It does not directly change the encoded amino acid sequence of the LZTR1 protein. This variant is not present in population databases (gnomAD no frequency). This variant has not been reported in the literature in individuals affected with LZTR1-related conditions. ClinVar contains an entry for this variant (Variation ID: 2120046). Algorithms developed to predict the effect of sequence changes on RNA splicing suggest that this variant may disrupt the consensus splice site. In summary, the available evidence is currently insufficient to determine the role of this variant in disease. Therefore, it has been classified as a Variant of Uncertain Significance.

Blueprint Genetics
Classification: Uncertain significance. Last evaluated: 2024-06-04. Review status: criteria provided, single submitter. Criteria: ACMG Guidelines, 2015. Collection method: clinical testing. Allele origin: germline.